The following is an entry in ClinVar:

NM_006302.3(MOGS):c.1681C>T (p.Arg561Cys)

Gene: MOGS (mannosyl-oligosaccharide glucosidase; minus strand). Cytogenetic location: 2p13.1.
Variant type: single nucleotide variant.
Coding change: c.1681C>T on transcript NM_006302.3 (MANE Select); coding-DNA position 1681, C replaced by T.
Protein change: p.Arg561Cys; replaces arginine 561 with cysteine.
Molecular consequence: missense variant.
Genome position (GRCh38, 1-based): chr2:74,462,108, G>A on the plus strand (C>T on the coding strand, the complement: MOGS is on the minus strand). VCF-style: chr2-74462108-G-A. GRCh37 (hg19) VCF-style: chr2-74689235-G-A.
Other names: c.1681C>T (NM_006302.2); c.1363C>T, p.Arg455Cys (NM_001146158.2); short protein forms R455C, R561C.
Identifiers: ClinVar variation 2907046 (VCV002907046.24), dbSNP rs768384335, ClinGen allele CA1724740.

ClinVar aggregate classification (germline): Uncertain significance. Review status: criteria provided, multiple submitters, no conflicts (2 of 4 stars). 3 submissions from 3 submitters: Uncertain significance (2). 1 of the submissions does not count toward it. Last evaluated 2024-09-01.

Conditions:
MOGS-related disorder. Also called: MOGS-related condition.
MOGS-congenital disorder of glycosylation. Also called: CDG IIb; GLUCOSIDASE I DEFICIENCY; CDG 2B; MOGS-CDG. Identifiers: Orphanet 79330, MedGen C1853736, MONDO:0011629, OMIM 606056.

Allele frequency attached by ClinVar (database versions not stated): ExAC 0.00001; gnomAD exomes 0.00001; TOPMed 0.00002; gnomAD 0.00003.
gnomAD v4.1: 24 of 1,614,032 alleles (0.0015%); highest among the groups gnomAD compares: Non-Finnish European, 0.0017%; no homozygotes.

Submissions (3):

CeGaT Center for Human Genetics Tuebingen
Classification: Uncertain significance. Last evaluated: 2024-09-01. Review status: criteria provided, single submitter. Criteria: CeGaT Center For Human Genetics Tuebingen Variant Classification Criteria Version 2. Collection method: clinical testing. Allele origin: germline. Affected: yes. Observed: 3 variant alleles.
Comment: MOGS: PM2, PM3

Labcorp Genetics (formerly Invitae), Labcorp
Classification: Uncertain significance for MOGS-congenital disorder of glycosylation. Last evaluated: 2023-09-10. Review status: criteria provided, single submitter. Criteria: Invitae Variant Classification Sherloc (09022015). Collection method: clinical testing. Allele origin: germline.
Comment: In summary, the available evidence is currently insufficient to determine the role of this variant in disease. Therefore, it has been classified as a Variant of Uncertain Significance. Advanced modeling of protein sequence and biophysical properties (such as structural, functional, and spatial information, amino acid conservation, physicochemical variation, residue mobility, and thermodynamic stability) performed at Invitae indicates that this missense variant is expected to disrupt MOGS protein function. This variant has not been reported in the literature in individuals affected with MOGS-related conditions. This variant is present in population databases (rs768384335, gnomAD 0.01%). This sequence change replaces arginine, which is basic and polar, with cysteine, which is neutral and slightly polar, at codon 561 of the MOGS protein (p.Arg561Cys).

PreventionGenetics, part of Exact Sciences
Classification: Uncertain significance for MOGS-related condition. Last evaluated: 2024-04-18. Review status: no assertion criteria provided. Collection method: clinical testing. Allele origin: germline. Not counted in ClinVar's aggregate classification.
Comment: The MOGS c.1681C>T variant is predicted to result in the amino acid substitution p.Arg561Cys. This variant has been reported in an individual with congenital disorder of glycosylation (Shimada et al 2022. PubMed ID: 35790351). This variant is reported in 0.0099% of alleles in individuals of Ashkenazi Jewish descent in gnomAD. At this time, the clinical significance of this variant is uncertain due to the absence of conclusive functional and genetic evidence.